The following is an entry in ClinVar:

ClinVar aggregate classification (germline): Uncertain significance (1 of 4 stars; one submission).

Conditions:
Hereditary cancer-predisposing syndrome. Also called: Neoplastic Syndromes, Hereditary; Tumor predisposition; Hereditary neoplastic syndrome; Hereditary Cancer Syndrome. Identifiers: Orphanet 140162, MedGen C0027672, MeSH D009386, MONDO:0015356.

Submission:

Ambry Genetics
Classification: Uncertain significance for Hereditary cancer-predisposing syndrome. Last evaluated: 2023-09-28. Review status: criteria provided, single submitter. Criteria: Ambry Variant Classification Scheme 2023. Collection method: clinical testing. Allele origin: germline.
Comment: The p.G205R variant (also known as c.613G>C), located in coding exon 5 of the POT1 gene, results from a G to C substitution at nucleotide position 613. The glycine at codon 205 is replaced by arginine, an amino acid with dissimilar properties. This amino acid position is conserved. In addition, the in silico prediction for this alteration is inconclusive. Since supporting evidence is limited at this time, the clinical significance of this alteration remains unclear.

NM_015450.3(POT1):c.613G>C (p.Gly205Arg)

Gene: POT1 (protection of telomeres 1; minus strand). Cytogenetic location: 7q31.33.
Variant type: single nucleotide variant.
Coding change: c.613G>C on transcript NM_015450.3 (MANE Select); coding-DNA position 613, G replaced by C.
Protein change: p.Gly205Arg; replaces glycine 205 with arginine.
Molecular consequence: missense variant. On other transcripts: non-coding transcript variant (3).
Genome position (GRCh38, 1-based): chr7:124,859,046, C>G on the plus strand (G>C on the coding strand, the complement: POT1 is on the minus strand). VCF-style: chr7-124859046-C-G. GRCh37 (hg19) VCF-style: chr7-124499100-C-G.
Other names: c.220G>C, p.Gly74Arg (NM_001042594.2); short protein forms G205R, G74R.
Identifiers: ClinVar variation 3226684 (VCV003226684.1), dbSNP rs2116526101, ClinGen allele CA369056507.